The following is an entry in ClinVar:

NM_000059.4(BRCA2):c.3863A>T (p.Asn1288Ile)

Gene: BRCA2 (BRCA2 DNA repair associated; plus strand). Cytogenetic location: 13q13.1.
Variant type: single nucleotide variant.
Coding change: c.3863A>T on transcript NM_000059.4 (MANE Select); coding-DNA position 3863, A replaced by T.
Protein change: p.Asn1288Ile; replaces asparagine 1288 with isoleucine.
Molecular consequence: missense variant.
Genome position (GRCh38, 1-based): chr13:32,338,218, A>T. VCF-style: chr13-32338218-A-T. GRCh37 (hg19) VCF-style: chr13-32912355-A-T.
Other names: short protein forms N1288I.
Identifiers: ClinVar variation 51547 (VCV000051547.17), dbSNP rs80358630, ClinGen allele CA019007.
Genomic context (GRCh38, chr13:32,338,218, plus strand): 5'-CTGTTGTTTCAATGTTTAAGATAGAAAATCATAATGATAAAACTGTAAGTGAAAAAAATA[A>T]TAAATGCCAACTGATATTACAAAATAATATTGAAATGACTACTGGCACTTTTGTTGAAGA-3'
Protein context (NP_000050.3, residues 1278-1298): HNDKTVSEKN[Asn1288Ile]KCQLILQNNI

ClinVar aggregate classification (germline): Conflicting classifications of pathogenicity. Review status: criteria provided, conflicting classifications (1 of 4 stars). 6 submissions from 6 submitters: Uncertain significance (2); Likely benign (2). 2 of the submissions do not count toward it. Last evaluated 2025-10-06.

Conditions:
Hereditary breast ovarian cancer syndrome. Also called: Hereditary breast and ovarian cancer syndrome; Hereditary breast and ovarian cancer; Hereditary breast and ovarian cancer syndrome (HBOC); Breast and ovarian cancer; Hereditary breast and/or ovarian cancer syndrome; BRCA1- and BRCA2-Associated Hereditary Breast and Ovarian Cancer. Identifiers: Orphanet 145, MedGen C0677776, MeSH D061325, MONDO:0003582. Disease mechanism: loss of function.
Hereditary cancer-predisposing syndrome. Also called: Neoplastic Syndromes, Hereditary; Tumor predisposition; Hereditary Cancer Syndrome; Hereditary neoplastic syndrome. Identifiers: Orphanet 140162, MedGen C0027672, MeSH D009386, MONDO:0015356.
Breast-ovarian cancer, familial, susceptibility to, 2 (BROVCA2). Also called: BRCA2 Hereditary Breast and Ovarian Cancer. Identifiers: Orphanet 145, MedGen C2675520, MONDO:0012933, OMIM 612555. Disease mechanism: loss of function.
Breast and/or ovarian cancer. Identifiers: MedGen CN221562.

Allele frequency attached by ClinVar (database versions not stated): TOPMed below 0.00001.
gnomAD v4.1: 2 of 1,541,790 alleles (0.00013%); highest among the groups gnomAD compares: Non-Finnish European, 0.00018%; no homozygotes.

Submissions (6):

Labcorp Genetics (formerly Invitae), Labcorp
Classification: Uncertain significance for Hereditary breast ovarian cancer syndrome. Last evaluated: 2025-10-06. Review status: criteria provided, single submitter. Criteria: Invitae Variant Classification Sherloc (09022015). Collection method: clinical testing. Allele origin: germline.
Comment: This sequence change replaces asparagine, which is neutral and polar, with isoleucine, which is neutral and non-polar, at codon 1288 of the BRCA2 protein (p.Asn1288Ile). This variant is not present in population databases (gnomAD no frequency). This variant has not been reported in the literature in individuals affected with BRCA2-related conditions. ClinVar contains an entry for this variant (Variation ID: 51547). Invitae Evidence Modeling of protein sequence and biophysical properties (such as structural, functional, and spatial information, amino acid conservation, physicochemical variation, residue mobility, and thermodynamic stability) indicates that this missense variant is not expected to disrupt BRCA2 protein function with a negative predictive value of 95%. In summary, the available evidence is currently insufficient to determine the role of this variant in disease. Therefore, it has been classified as a Variant of Uncertain Significance.

Color Diagnostics, LLC DBA Color Health
Classification: Uncertain significance for Hereditary cancer-predisposing syndrome. Last evaluated: 2025-08-13. Review status: criteria provided, single submitter. Criteria: ACMG Guidelines, 2015. Collection method: clinical testing. Allele origin: germline.
Comment: This missense variant replaces asparagine with isoleucine at codon 1288 of the BRCA2 protein. Computational prediction suggests that this variant may not impact protein structure and function. To our knowledge, functional studies have not been reported for this variant. A multifactorial analysis has reached a combined likelihood ratio (LR) of 1.11 based on reported LR for co-occurrence with a pathogenic variant and family history (PMID: 31131967). This variant has not been identified in the general population by the Genome Aggregation Database (gnomAD). The available evidence is insufficient to determine the role of this variant in disease conclusively. Therefore, this variant is classified as a Variant of Uncertain Significance.

Ambry Genetics
Classification: Likely benign for Hereditary cancer-predisposing syndrome. Last evaluated: 2024-12-11. Review status: criteria provided, single submitter. Criteria: Ambry Variant Classification Scheme 2023. Collection method: clinical testing. Allele origin: germline.

University of Washington Department of Laboratory Medicine, University of Washington
Classification: Likely benign for Hereditary cancer-predisposing syndrome. Last evaluated: 2023-03-23. Review status: criteria provided, single submitter. Criteria: Dines et al. (Genet Med. 2020). Collection method: curation. Allele origin: germline.
Comment: Missense variant in a coldspot region where missense variants are very unlikely to be pathogenic (PMID:31911673).

BRCA2 exon 11 coldspot. Reclassification based on statistical prior probability.

Breast Cancer Information Core (BIC) (BRCA2)
Classification: Uncertain significance for Breast-ovarian cancer, familial 2. Last evaluated: 2001-10-29. Review status: no assertion criteria provided. Collection method: clinical testing. Allele origin: germline. Affected: yes. Observed: 1 variant allele. Not counted in ClinVar's aggregate classification.

Foulkes Cancer Genetics LDI, Lady Davis Institute for Medical Research
Classification: Uncertain significance for Breast and/or ovarian cancer. Last evaluated: 2001-06-11. Review status: no assertion criteria provided. Collection method: clinical testing. Allele origin: germline. Study: The Canadian Open Genetics Repository (COGR). Not counted in ClinVar's aggregate classification.

Literature cited by the submitters: PubMed 31131967 (cited by Color Diagnostics, LLC DBA Color Health).